The following is an entry in ClinVar:

ClinVar aggregate classification (germline): Likely benign. Review status: criteria provided, multiple submitters, no conflicts (2 of 4 stars). 4 submissions from 4 submitters: Likely benign (4). Last evaluated 2025-07-01.

Allele frequency attached by ClinVar (database versions not stated): 1000 Genomes Project 30x 0.00125; TOPMed 0.00130; gnomAD 0.00131 and 0.00123; 1000 Genomes Project 0.00140; gnomAD exomes 0.00160 and 0.00210; ExAC 0.00176; ESP Exome Variant Server 0.00258.
gnomAD v4.1: 3,239 of 1,614,146 alleles (0.2%); highest among the groups gnomAD compares: South Asian, 0.35%; 7 homozygotes.

Submissions (4):

CeGaT Center for Human Genetics Tuebingen
Classification: Likely benign. Last evaluated: 2025-07-01. Review status: criteria provided, single submitter. Criteria: CeGaT Center For Human Genetics Tuebingen Variant Classification Criteria Version 2. Collection method: clinical testing. Allele origin: germline. Affected: yes. Observed: 2 variant alleles.
Comment: HTT: BP4

Blueprint Genetics
Classification: Likely benign. Last evaluated: 2024-10-15. Review status: criteria provided, single submitter. Criteria: ACMG Guidelines, 2015. Collection method: clinical testing. Allele origin: germline.

Labcorp Genetics (formerly Invitae), Labcorp
Classification: Likely benign. Last evaluated: 2024-04-15. Review status: criteria provided, single submitter. Criteria: Invitae Variant Classification Sherloc (09022015). Collection method: clinical testing. Allele origin: germline.

Women's Health and Genetics/Laboratory Corporation of America, LabCorp
Classification: Likely benign. Last evaluated: 2024-01-12. Review status: criteria provided, single submitter. Criteria: LabCorp Variant Classification Summary - May 2015. Collection method: clinical testing. Allele origin: germline.
Comment: Variant summary: HTT c.7332A>T (p.Glu2444Asp) results in a conservative amino acid change located in the C-terminal HEAT repeats (IPR048413) of the encoded protein sequence. Three of four in-silico tools predict a benign effect of the variant on protein function. The variant allele was found at a frequency of 0.002 in 1,607,172 control chromosomes in the gnomAD database (v4 dataset), including 7 homozygotes. The high allele frequency together with the presence of homozygotes strongly suggests that the variant is a benign polymorphism. To our knowledge, no occurrence of c.7332A>T in individuals affected with Lopes-Maciel Syndrome and no experimental evidence demonstrating its impact on protein function have been reported. ClinVar contains an entry for this variant (Variation ID: 1617281). Based on the evidence outlined above, the variant was classified as likely benign.

NM_001388492.1(HTT):c.7332A>T (p.Glu2444Asp)

Gene: HTT (huntingtin; plus strand). Cytogenetic location: 4p16.3.
Variant type: single nucleotide variant.
Coding change: c.7332A>T on transcript NM_001388492.1 (MANE Select); coding-DNA position 7332, A replaced by T.
Protein change: p.Glu2444Asp; replaces glutamic acid 2444 with aspartic acid.
Molecular consequence: missense variant.
Genome position (GRCh38, 1-based): chr4:3,220,271, A>T. VCF-style: chr4-3220271-A-T. GRCh37 (hg19) VCF-style: chr4-3221998-A-T.
Other names: c.7338A>T, p.Glu2446Asp (NM_002111.8); short protein forms E2444D, E2446D.
Identifiers: ClinVar variation 1617281 (VCV001617281.35), dbSNP rs201702168, ClinGen allele CA2825319.